The following is an entry in ClinVar:

ClinVar aggregate classification (germline): Likely pathogenic (1 of 4 stars; one submission).

Conditions:
Anemia, nonspherocytic hemolytic, due to G6PD deficiency (CNSHA1). Also called: Hemolytic anemia due to G6PD deficiency; Class I glucose-6-phosphate dehydrogenase deficiency; Favism, susceptibility to; ANEMIA, CONGENITAL, NONSPHEROCYTIC HEMOLYTIC, 1. Identifiers: Orphanet 466026, MedGen C2720289, MONDO:0010480, OMIM 300908.

Submission:

Dunham Lab, University of Washington
Classification: Likely pathogenic for Anemia, nonspherocytic hemolytic, due to G6PD deficiency. Last evaluated: 2022-08-12. Review status: criteria provided, single submitter. Criteria: Bayesian ACMG Guidelines, 2018. Collection method: curation. Allele origin: unknown. Affected: yes.
Comment: Leads to deletion of one residue (PM4) and decreased activity in red blood cells (PS3). Not found in gnomAD (PM2). Post_P 0.988 (odds of pathogenicity 729.3, Prior_P 0.1).

Literature cited by the submitters: PubMed 9410474.

NM_001360016.2(G6PD):c.683ACA[1] (p.Asn229del)

Gene: G6PD (glucose-6-phosphate dehydrogenase; minus strand). Cytogenetic location: Xq28.
Variant type: Microsatellite.
Coding change: c.683ACA[1] on transcript NM_001360016.2 (MANE Select); one copy of the 3-base unit ACA starting at c.683; the reference has two copies in a row; one copy, 3 bases deleted.
Protein change: p.Asn229del; deletes asparagine 229.
Molecular consequence: inframe deletion.
Genome position (GRCh38, 1-based): chrX:154,534,117-154,534,119, TGT deleted on the plus strand (ACA on the coding strand, the reverse complement: G6PD is on the minus strand); deleting any 3 consecutive bases within chrX:154,534,117-154,534,122 gives the same sequence; the position shown is the placement nearest the transcript's 3' end. VCF-style (leftmost placement, unchanged base first): chrX-154534116-ATGT-A. GRCh37 (hg19) VCF-style: chrX-153762331-ATGT-A.
Other names: G6PD North Dallas; c.773ACA[1], p.Asn259del (NM_000402.4); c.683ACA[1], p.Asn229del (NM_001042351.3); short protein forms N229del, N259del.
Identifiers: ClinVar variation 1722748 (VCV001722748.2), dbSNP rs2523266858, ClinGen allele CA2580612320.
Genomic context (GRCh38, chrX:154,534,116, plus strand): 5'-AAATAGCCCCCGCGACCCTCAGTGCCAAAGGGCTCCTTGAAGGTGAGGATAACGCAGGCG[ATGT>A]TGTCCCGGTTCCAGATGGGGCCGAAGATCCTGTTGGCAAATCTGCAGGGAGGGGCAAGGT-3'